The following is an entry in ClinVar:

NM_201384.3(PLEC):c.7382A>G (p.Lys2461Arg)

Gene: PLEC (plectin; minus strand). Cytogenetic location: 8q24.3.
Variant type: single nucleotide variant.
Coding change: c.7382A>G on transcript NM_201384.3 (MANE Select); coding-DNA position 7382, A replaced by G.
Protein change: p.Lys2461Arg; replaces lysine 2461 with arginine.
Molecular consequence: missense variant.
Genome position (GRCh38, 1-based): chr8:143,922,547, T>C on the plus strand (A>G on the coding strand, the complement: PLEC is on the minus strand). VCF-style: chr8-143922547-T-C. GRCh37 (hg19) VCF-style: chr8-144996715-T-C.
Other names: c.7463A>G (NM_000445.3); c.7463A>G, p.Lys2488Arg (NM_000445.5); c.7340A>G, p.Lys2447Arg (NM_201378.4); c.7316A>G, p.Lys2439Arg (NM_201379.3); c.7793A>G, p.Lys2598Arg (NM_201380.4); c.7286A>G, p.Lys2429Arg (NM_201381.3); c.7382A>G, p.Lys2461Arg (NM_201382.4); c.7394A>G, p.Lys2465Arg (NM_201383.3); short protein forms K2488R, K2439R, K2447R, K2598R, K2429R, K2461R, K2465R.
Identifiers: ClinVar variation 957621 (VCV000957621.8), dbSNP rs1823209493, ClinGen allele CA372525791.

ClinVar aggregate classification (germline): Uncertain significance. Review status: criteria provided, multiple submitters, no conflicts (2 of 4 stars). 2 submissions from 2 submitters: Uncertain significance (2). Last evaluated 2025-11-02.

Conditions:
Epidermolysis bullosa simplex 5B, with muscular dystrophy (EBS5B). Also called: Epidermolysis bullosa simplex with muscular dystrophy; EPIDERMOLYSIS BULLOSA SIMPLEX AND LIMB-GIRDLE MUSCULAR DYSTROPHY. Identifiers: Orphanet 257, MedGen C2931072, MONDO:0009181, OMIM 226670.
Epidermolysis bullosa simplex, Ogna type (EBS5A). Also called: Pidermolysis bullosa simplex 5A, Ogna type; EPIDERMOLYSIS BULLOSA SIMPLEX 5A, OGNA TYPE. Identifiers: Orphanet 79401, MedGen C0432317, MONDO:0007555, OMIM 131950.
Autosomal recessive limb-girdle muscular dystrophy type 2Q (LGMDR17). Also called: MUSCULAR DYSTROPHY, LIMB-GIRDLE, AUTOSOMAL RECESSIVE 17. Identifiers: Orphanet 254361, MedGen C3150989, MONDO:0013390, OMIM 613723.
Epidermolysis bullosa simplex with nail dystrophy (EBS5D). Identifiers: MedGen C4225309, MONDO:0014661, OMIM 616487.
Epidermolysis bullosa simplex 5C, with pyloric atresia (EBS5C). Also called: Epidermolysis bullosa simplex with pyloric atresia; PLEC-Related Epidermolysis Bullosa with Pyloric Atresia; PLEC1-Related Epidermolysis Bullosa with Pyloric Atresia. Identifiers: Orphanet 158684, MedGen C2677349, MONDO:0012807, OMIM 612138.
Inborn genetic diseases. Identifiers: MedGen C0950123, MeSH D030342.

Allele frequency attached by ClinVar (database versions not stated): gnomAD exomes 0.00001.
gnomAD v4.1: 21 of 1,612,882 alleles (0.0013%); highest among the groups gnomAD compares: Non-Finnish European, 0.0016%; no homozygotes.

Submissions (2):

Labcorp Genetics (formerly Invitae), Labcorp
Classification: Uncertain significance for Autosomal recessive limb-girdle muscular dystrophy type 2Q; Epidermolysis bullosa simplex, Ogna type; Epidermolysis bullosa simplex with nail dystrophy; Epidermolysis bullosa simplex 5C, with pyloric atresia; Epidermolysis bullosa simplex 5B, with muscular dystrophy. Last evaluated: 2025-11-02. Review status: criteria provided, single submitter. Criteria: Invitae Variant Classification Sherloc (09022015). Collection method: clinical testing. Allele origin: germline.
Comment: This sequence change replaces lysine, which is basic and polar, with arginine, which is basic and polar, at codon 2488 of the PLEC protein (p.Lys2488Arg). This variant is not present in population databases (gnomAD no frequency). This variant has not been reported in the literature in individuals affected with PLEC-related conditions. ClinVar contains an entry for this variant (Variation ID: 957621). An algorithm developed to predict the effect of missense changes on protein structure and function outputs the following: PolyPhen-2: "Benign". The arginine amino acid residue is found in multiple mammalian species, which suggests that this missense change does not adversely affect protein function. In summary, the available evidence is currently insufficient to determine the role of this variant in disease. Therefore, it has been classified as a Variant of Uncertain Significance.

Ambry Genetics
Classification: Uncertain significance for Inborn genetic diseases. Last evaluated: 2024-08-26. Review status: criteria provided, single submitter. Criteria: Ambry Variant Classification Scheme 2023. Collection method: clinical testing. Allele origin: germline.